The following is an entry in ClinVar:

ClinVar aggregate classification (germline): Likely benign. Review status: criteria provided, multiple submitters, no conflicts (2 of 4 stars). 4 submissions from 4 submitters: Likely benign (3). 1 of the submissions does not count toward it. Last evaluated 2024-06-26.

Conditions:
Cardiovascular phenotype. Identifiers: MedGen CN230736.
Familial hypercholesterolemia. Also called: Familial hypercholesterolemias; Familial hypercholesterolaemia. Identifiers: MedGen C0020445, MONDO:0005439.
APOB-related disorder. Also called: APOB-related condition; APOB-related disorders.
Familial hypobetalipoproteinemia 1. Also called: Hypobetalipoproteinemia, normotriglyceridemic; Acanthocytosis with hypobetalipoproteinemia; APOB-Related Familial Hypobetalipoproteinemia. Identifiers: MedGen C4551990, MONDO:0014252, OMIM 615558.
Hypercholesterolemia, autosomal dominant, type B (FHCL2). Also called: Familial hypercholesterolemia 2; APOB-Related Familial Hypercholesterolemia, Autosomal Dominant; HYPERCHOLESTEROLEMIA, FAMILIAL, DUE TO LIGAND-DEFECTIVE APOLIPOPROTEIN B; Hyperlipoproteinemia Type IIb; Familial Hypercholesterolemia Type B; APOLIPOPROTEIN B-100, FAMILIAL DEFECTIVE. Identifiers: MedGen C1704417, MONDO:0007751, OMIM 144010.

Allele frequency attached by ClinVar (database versions not stated): gnomAD 0.00003; ESP Exome Variant Server 0.00008.
gnomAD v4.1: 22 of 1,613,892 alleles (0.0014%); highest among the groups gnomAD compares: South Asian, 0.0033%; no homozygotes.

Submissions (4):

Labcorp Genetics (formerly Invitae), Labcorp
Classification: Likely benign for Familial hypobetalipoproteinemia 1; Hypercholesterolemia, autosomal dominant, type B. Last evaluated: 2024-06-26. Review status: criteria provided, single submitter. Criteria: Invitae Variant Classification Sherloc (09022015). Collection method: clinical testing. Allele origin: germline.

GENinCode PLC
Classification: Likely benign for Familial hypercholesterolemia. Last evaluated: 2023-07-06. Review status: criteria provided, single submitter. Criteria: ACMG Guidelines, 2015. Collection method: clinical testing. Allele origin: germline.
Comment: This is a synonymous (silent) variant that is not predicted by SpliceAI to impact splicing. In addition, it occurs at a nucleotide that is not conserved. Therefore this variant has been classified as Likely Benign (BP4, BP7).

Ambry Genetics
Classification: Likely benign for Cardiovascular phenotype. Last evaluated: 2023-06-01. Review status: criteria provided, single submitter. Criteria: Ambry Variant Classification Scheme 2023. Collection method: clinical testing. Allele origin: germline.

PreventionGenetics, part of Exact Sciences
Classification: Likely benign for APOB-related condition. Last evaluated: 2019-07-15. Review status: no assertion criteria provided. Collection method: clinical testing. Allele origin: germline. Not counted in ClinVar's aggregate classification.
Comment: This variant is classified as likely benign based on ACMG/AMP sequence variant interpretation guidelines (Richards et al. 2015 PMID: 25741868, with internal and published modifications).

NM_000384.3(APOB):c.10056C>A (p.Thr3352=)

Gene: APOB (apolipoprotein B; minus strand). Cytogenetic location: 2p24.1.
Variant type: single nucleotide variant.
Coding change: c.10056C>A on transcript NM_000384.3 (MANE Select); coding-DNA position 10056, C replaced by A.
Protein change: p.Thr3352=; no amino-acid change (threonine 3352 retained).
Molecular consequence: synonymous variant.
Genome position (GRCh38, 1-based): chr2:21,006,812, G>T on the plus strand (C>A on the coding strand, the complement: APOB is on the minus strand). VCF-style: chr2-21006812-G-T. GRCh37 (hg19) VCF-style: chr2-21229684-G-T.
Identifiers: ClinVar variation 544107 (VCV000544107.18), dbSNP rs369022661, ClinGen allele CA042298.